The following is an entry in ClinVar:

NM_004606.5(TAF1):c.895C>T (p.Pro299Ser)

Gene: TAF1 (TATA-box binding protein associated factor 1; plus strand). Cytogenetic location: Xq13.1.
Variant type: single nucleotide variant.
Coding change: c.895C>T on transcript NM_004606.5 (MANE Select); coding-DNA position 895, C replaced by T.
Protein change: p.Pro299Ser; replaces proline 299 with serine.
Molecular consequence: missense variant. On other transcripts: non-coding transcript variant (9).
Genome position (GRCh38, 1-based): chrX:71,377,783, C>T. VCF-style: chrX-71377783-C-T. GRCh37 (hg19) VCF-style: chrX-70597633-C-T.
Other names: c.895C>T, p.Pro299Ser (NM_001286074.2); c.832C>T, p.Pro278Ser (NM_138923.4); short protein forms P278S, P299S.
Identifiers: ClinVar variation 2501973 (VCV002501973.2), dbSNP rs2520137955, ClinGen allele CA413507972.

ClinVar aggregate classification (germline): Uncertain significance. Review status: criteria provided, multiple submitters, no conflicts (2 of 4 stars). 2 submissions from 2 submitters: Uncertain significance (2). Last evaluated 2024-03-28.

Submissions (2):

Blueprint Genetics
Classification: Uncertain significance. Last evaluated: 2024-03-28. Review status: criteria provided, single submitter. Criteria: ACMG Guidelines, 2015. Collection method: clinical testing. Allele origin: germline.

GeneDx
Classification: Uncertain significance. Last evaluated: 2023-05-04. Review status: criteria provided, single submitter. Criteria: GeneDx Variant Classification Process June 2021. Collection method: clinical testing. Allele origin: germline. Affected: yes.
Comment: Not observed at significant frequency in large population cohorts (gnomAD); In silico analysis supports that this missense variant has a deleterious effect on protein structure/function; Has not been previously published as pathogenic or benign to our knowledge